The following is an entry in ClinVar:

ClinVar aggregate classification (germline): Pathogenic. Review status: criteria provided, multiple submitters, no conflicts (2 of 4 stars). 2 submissions from 2 submitters: Pathogenic (2). Last evaluated 2025-01-30.

Conditions:
Cardiovascular phenotype. Identifiers: MedGen CN230736.
Hypertrophic cardiomyopathy. Also called: HYPERTROPHIC MYOCARDIOPATHY. Identifiers: Orphanet 217569, MedGen C0007194, MeSH D002312, MONDO:0005045, HP:0001639.

Submissions (2):

Labcorp Genetics (formerly Invitae), Labcorp
Classification: Pathogenic for Hypertrophic cardiomyopathy. Last evaluated: 2025-01-30. Review status: criteria provided, single submitter. Criteria: Invitae Variant Classification Sherloc (09022015). Collection method: clinical testing. Allele origin: germline.
Comment: This sequence change creates a premature translational stop signal (p.Glu739Argfs*15) in the MYBPC3 gene. It is expected to result in an absent or disrupted protein product. Loss-of-function variants in MYBPC3 are known to be pathogenic (PMID: 19574547). This variant is not present in population databases (gnomAD no frequency). This variant has not been reported in the literature in individuals affected with MYBPC3-related conditions. ClinVar contains an entry for this variant (Variation ID: 3400419). Algorithms developed to predict the effect of sequence changes on RNA splicing suggest that this variant may disrupt the consensus splice site. For these reasons, this variant has been classified as Pathogenic.

Ambry Genetics
Classification: Pathogenic for Cardiovascular phenotype. Last evaluated: 2024-09-30. Review status: criteria provided, single submitter. Criteria: Ambry Variant Classification Scheme 2023. Collection method: clinical testing. Allele origin: germline.
Comment: The c.2214delC pathogenic mutation, located in coding exon 23 of the MYBPC3 gene, results from a deletion of one nucleotide at nucleotide position 2214, causing a translational frameshift with a predicted alternate stop codon (p.E739Rfs*15). This variant is considered to be rare based on population cohorts in the Genome Aggregation Database (gnomAD). This alteration is expected to result in loss of function by premature protein truncation or nonsense-mediated mRNA decay. As such, this alteration is interpreted as a disease-causing mutation.

Literature cited by the submitters: PubMed 19574547 (cited by Labcorp Genetics (formerly Invitae), Labcorp).

NM_000256.3(MYBPC3):c.2214del (p.Glu739fs)

Gene: MYBPC3 (myosin binding protein C3; minus strand). Cytogenetic location: 11p11.2.
Variant type: Deletion.
Coding change: c.2214del on transcript NM_000256.3 (MANE Select); coding-DNA position 2214, one base deleted (C; older notation c.2214delC).
Protein change: p.Glu739fs; shifts the reading frame from glutamic acid 739.
Molecular consequence: frameshift variant.
Genome position (GRCh38, 1-based): chr11:47,338,614, G deleted on the plus strand (C on the coding strand, the reverse complement: MYBPC3 is on the minus strand). VCF-style (leftmost placement, unchanged base first): chr11-47338613-CG-C. GRCh37 (hg19) VCF-style: chr11-47360164-CG-C.
Other names: c.2214delC (NM_000256.3); short protein forms E739fs.
Identifiers: ClinVar variation 3400419 (VCV003400419.3).